The following is an entry in ClinVar:

ClinVar aggregate classification (germline): Conflicting classifications of pathogenicity. Review status: criteria provided, conflicting classifications (1 of 4 stars). 6 submissions from 6 submitters: Uncertain significance (1); Likely benign (4). 1 of the submissions does not count toward it. Last evaluated 2026-01-13.

Conditions:
Autosomal recessive limb-girdle muscular dystrophy type 2C (LGMDR5). Also called: MUSCULAR DYSTROPHY, LIMB-GIRDLE, AUTOSOMAL RECESSIVE 5; MUSCULAR DYSTROPHY, DUCHENNE-LIKE. Identifiers: Orphanet 353, MedGen C0410173, MONDO:0009677, OMIM 253700. Disease mechanism: Affects gamma-sarcoglycan and also disrupts the integrity of the entire sarcoglycan complex..

Allele frequency attached by ClinVar (database versions not stated): gnomAD 0.00009; ExAC 0.00010; gnomAD exomes 0.00010 and 0.00012; TOPMed 0.00013.
gnomAD v4.1: 184 of 1,611,580 alleles (0.011%); highest among the groups gnomAD compares: Non-Finnish European, 0.015%; 2 homozygotes.

Submissions (6):

Labcorp Genetics (formerly Invitae), Labcorp
Classification: Likely benign for Autosomal recessive limb-girdle muscular dystrophy type 2C. Last evaluated: 2026-01-13. Review status: criteria provided, single submitter. Criteria: Invitae Variant Classification Sherloc (09022015). Collection method: clinical testing. Allele origin: germline.

CeGaT Center for Human Genetics Tuebingen
Classification: Likely benign. Last evaluated: 2025-10-01. Review status: criteria provided, single submitter. Criteria: CeGaT Center For Human Genetics Tuebingen Variant Classification Criteria Version 2. Collection method: clinical testing. Allele origin: germline. Affected: yes. Observed: 5 variant alleles.
Comment: SGCG: BP4

Blueprint Genetics
Classification: Likely benign. Last evaluated: 2024-11-11. Review status: criteria provided, single submitter. Criteria: ACMG Guidelines, 2015. Collection method: clinical testing. Allele origin: germline.

GeneDx
Classification: Likely benign. Last evaluated: 2017-11-21. Review status: criteria provided, single submitter. Criteria: GeneDx Variant Classification (06012015). Collection method: clinical testing. Allele origin: germline. Affected: yes.
Comment: This variant is considered likely benign or benign based on one or more of the following criteria: it is a conservative change, it occurs at a poorly conserved position in the protein, it is predicted to be benign by multiple in silico algorithms, and/or has population frequency not consistent with disease.

Eurofins Ntd Llc (ga)
Classification: Uncertain significance. Last evaluated: 2017-04-06. Review status: criteria provided, single submitter. Criteria: EGL Classification Definitions 2015. Collection method: clinical testing. Allele origin: germline. Observed: 4 variant alleles, 4 heterozygotes.

Natera, Inc.
Classification: Uncertain significance for Limb-girdle muscular dystrophy type 2C. Last evaluated: 2020-01-24. Review status: no assertion criteria provided. Collection method: clinical testing. Allele origin: germline. Not counted in ClinVar's aggregate classification.

NM_000231.3(SGCG):c.506-7T>G

Gene: SGCG (sarcoglycan gamma; plus strand). Cytogenetic location: 13q12.12.
Variant type: single nucleotide variant.
Coding change: c.506-7T>G on transcript NM_000231.3 (MANE Select); 7 bases into the intron before coding-DNA position 506, T replaced by G.
Molecular consequence: intron variant.
Genome position (GRCh38, 1-based): chr13:23,295,408, T>G. VCF-style: chr13-23295408-T-G. GRCh37 (hg19) VCF-style: chr13-23869547-T-G.
Other names: c.560-7T>G (NM_001378244.1); c.506-7T>G (NM_001378245.1, NM_001378246.1).
Identifiers: ClinVar variation 285235 (VCV000285235.39), dbSNP rs774582375, ClinGen allele CA6909723.